The following is an entry in ClinVar:

NM_004064.5(CDKN1B):c.407A>G (p.Asp136Gly)

Gene: CDKN1B (cyclin dependent kinase inhibitor 1B; plus strand). Cytogenetic location: 12p13.1.
Variant type: single nucleotide variant.
Coding change: c.407A>G on transcript NM_004064.5 (MANE Select); coding-DNA position 407, A replaced by G.
Protein change: p.Asp136Gly; replaces aspartic acid 136 with glycine.
Molecular consequence: missense variant.
Genome position (GRCh38, 1-based): chr12:12,718,246, A>G. VCF-style: chr12-12718246-A-G. GRCh37 (hg19) VCF-style: chr12-12871180-A-G.
Other names: short protein forms D136G.
Identifiers: ClinVar variation 307666 (VCV000307666.52), dbSNP rs546234840, ClinGen allele CA6457488.
Genomic context (GRCh38, chr12:12,718,246, plus strand): 5'-CGCCTTTAATTGGGGCTCCGGCTAACTCTGAGGACACGCATTTGGTGGACCCAAAGACTG[A>G]TCCGTCGGACAGCCAGACGGGGTTAGCGGAGCAATGCGCAGGAATAAGGAAGCGACCTGC-3'
Protein context (NP_004055.1, residues 126-146): EDTHLVDPKT[Asp136Gly]PSDSQTGLAE

ClinVar aggregate classification (germline): Conflicting classifications of pathogenicity. Review status: criteria provided, conflicting classifications (1 of 4 stars). 9 submissions from 9 submitters: Uncertain significance (3); Benign (2); Likely benign (3). 1 of the submissions does not count toward it. Last evaluated 2026-06-03.

Conditions:
CDKN1B-related disorder. Also called: CDKN1B-related condition.
Hereditary cancer-predisposing syndrome. Also called: Tumor predisposition; Neoplastic Syndromes, Hereditary; Hereditary neoplastic syndrome; Hereditary Cancer Syndrome. Identifiers: Orphanet 140162, MedGen C0027672, MeSH D009386, MONDO:0015356.
Multiple endocrine neoplasia type 4. Also called: MULTIPLE ENDOCRINE NEOPLASIA, TYPE IV. Identifiers: Orphanet 276152, MedGen C1970712, MONDO:0012552, OMIM 610755.

Allele frequency attached by ClinVar (database versions not stated): gnomAD exomes 0.00007; ExAC 0.00010; 1000 Genomes Project 30x 0.00016; gnomAD 0.00019 and 0.00020; 1000 Genomes Project 0.00020; TOPMed 0.00022.

Submissions (9):

PreventionGenetics, part of Exact Sciences
Classification: Likely benign for CDKN1B-related condition. Last evaluated: 2026-06-03. Review status: criteria provided, single submitter. Criteria: ACMG Guidelines, 2015. Collection method: clinical testing. Allele origin: germline.
Comment: This variant is classified as likely benign based on ACMG/AMP sequence variant interpretation guidelines (Richards et al. 2015 PMID: 25741868, with internal and published modifications).

Labcorp Genetics (formerly Invitae), Labcorp
Classification: Likely benign for Multiple endocrine neoplasia type 4. Last evaluated: 2026-01-31. Review status: criteria provided, single submitter. Criteria: Invitae Variant Classification Sherloc (09022015). Collection method: clinical testing. Allele origin: germline.

Quest Diagnostics Nichols Institute San Juan Capistrano
Classification: Uncertain significance. Last evaluated: 2025-07-16. Review status: criteria provided, single submitter. Criteria: Quest Diagnostics criteria. Collection method: clinical testing. Allele origin: unknown.
Comment: The CDKN1B c.407A>G (p.Asp136Gly) variant has been reported in the published literature in individuals with Cushing's disease (PMID: 32232325 (2020), 36149413 (2022)) and multiple endocrine neoplasia type 4 (MEN4) (PMID: 36520683 (2023)). A published functional study has also shown that this variant has a partial effect on CDKN1B protein function (PMID: 32232325 (2020)). The frequency of this variant in the general population (Genome Aggregation Database) is higher than would generally be expected for pathogenic variants in this gene. Analysis of this variant using bioinformatics tools for the prediction of the effect of amino acid changes on protein structure and function yielded predictions that this variant is benign. Based on the available information, we are unable to determine the clinical significance of this variant.

GeneDx
Classification: Uncertain significance. Last evaluated: 2025-02-28. Review status: criteria provided, single submitter. Criteria: GeneDx Variant Classification Process June 2021. Collection method: clinical testing. Allele origin: germline. Affected: yes.
Comment: Identified in a patient with Cushing's disease and in a patient with pancreatic cancer (PMID: 32232325, 32923899); Published functional studies are inconclusive: displayed normal subcellular localization and hormonal production, but decreased protein stability and interaction with RHOA and CDK2 (PMID: 32232325); In silico analysis indicates that this missense variant does not alter protein structure/function; This variant is associated with the following publications: (PMID: 32232325, 32923899, 35355569, 36520683, 36149413)

CeGaT Center for Human Genetics Tuebingen
Classification: Likely benign. Last evaluated: 2024-01-01. Review status: criteria provided, single submitter. Criteria: CeGaT Center For Human Genetics Tuebingen Variant Classification Criteria Version 2. Collection method: clinical testing. Allele origin: germline. Affected: yes. Observed: 1 variant allele.
Comment: CDKN1B: BP4

Ambry Genetics
Classification: Benign for Hereditary cancer-predisposing syndrome. Last evaluated: 2022-12-01. Review status: criteria provided, single submitter. Criteria: Ambry Variant Classification Scheme 2023. Collection method: clinical testing. Allele origin: germline.

Sema4
Classification: Uncertain significance for Hereditary cancer-predisposing syndrome. Last evaluated: 2021-08-20. Review status: criteria provided, single submitter. Criteria: Sema4 Curation Guidelines. Collection method: curation. Allele origin: germline.
Comment: The CDKN1B c.407A>G (p.D136G) variant has been reported in at least one individual with Cushing's Disease who did not have personal or family history of multiple endocrine neoplasia (PMID: 32232325). It was observed in 16/127796 chromosomes of the Non-Finnish European subpopulation in the large and broad cohorts of the Genome Aggregation Database (PMID: 32461654). The variant has been reported in ClinVar (Variation ID 307666). In silico tools suggest the impact of the variant on protein function is benign. However, functional studies reported the variant to have a partial effect on CDKN1B protein function (PMID: 32232325). The evidence is insufficient to meet ACMG/AMP criteria for classifying the variant as benign or pathogenic. Thus, the clinical significance of this variant is currently uncertain.

Illumina Laboratory Services, Illumina
Classification: Benign for Multiple endocrine neoplasia type 4. Last evaluated: 2018-01-12. Review status: criteria provided, single submitter. Criteria: ICSL Variant Classification Criteria 13 December 2019. Collection method: clinical testing. Allele origin: germline.
Comment: This variant was observed in the ICSL laboratory as part of a predisposition screen in an ostensibly healthy population. It had not been previously curated by ICSL or reported in the Human Gene Mutation Database (HGMD: prior to June 1st, 2018), and was therefore a candidate for classification through an automated scoring system. Utilizing variant allele frequency, disease prevalence and penetrance estimates, and inheritance mode, an automated score was calculated to assess if this variant is too frequent to cause the disease. Based on the score and internal cut-off values, a variant classified as benign is not then subjected to further curation. The score for this variant resulted in a classification of benign for this disease.

Department of Pathology and Laboratory Medicine, Sinai Health System
Classification: Uncertain significance. Review status: no assertion criteria provided. Collection method: clinical testing. Allele origin: unknown. Affected: yes. Study: The Canadian Open Genetics Repository (COGR). Not counted in ClinVar's aggregate classification.
Comment: The CDKN1B p.Asp136Gly variant was identified in 1 of 406 proband chromosomes (frequency: 0.0025) from individuals or families with Multiple Endocrine Neoplasia type 4 (Hernandez-Ramirez_2019). The variant was identified in dbSNP (ID: rs546234840), ClinVar (classified as likely benign by Illumina and as a VUS by Invitae for Multiple Endocrine Neoplasia) and Cosmic (FATHMM prediction: pathogenic; score=0.9). The variant was also identified in control databases in 21 of 278260 chromosomes at a frequency of 0.000075 (Genome Aggregation Database Feb 27, 2017). The variant was observed in the following populations: Other in 1 of 7148 chromosomes (freq: 0.00014), European (non-Finnish) in 16 of 127796 chromosomes (freq: 0.000125) and Latino in 4 of 35340 chromosomes (freq: 0.000113); it was not observed in the African, Ashkenazi Jewish, East Asian, European (Finnish) or South Asian populations. The p.Asp136 residue is conserved across mammals and other organisms, and four out of five computational analyses (PolyPhen-2, SIFT, AlignGVGD, BLOSUM, MutationTaster) suggest that the variant may impact the protein; however, this information is not predictive enough to assume pathogenicity. The variant occurs outside of the splicing consensus sequence and 2 of 4 in silico or computational prediction software programs (SpliceSiteFinder, MaxEntScan, NNSPLICE, GeneSplicer) predict a greater than 10% difference in splicing; this is not very predictive of pathogenicity. In summary, based on the above information the clinical significance of this variant cannot be determined with certainty at this time. This variant is classified as a variant of uncertain significance.

Literature cited by the submitters: PubMed 35355569 (cited by Quest Diagnostics Nichols Institute San Juan Capistrano); PubMed 36149413 (cited by Quest Diagnostics Nichols Institute San Juan Capistrano); PubMed 32232325 (cited by 3 submitters); PubMed 36520683 (cited by Quest Diagnostics Nichols Institute San Juan Capistrano).